The following is an entry in ClinVar:

ClinVar aggregate classification (germline): Likely benign (1 of 4 stars; one submission).

gnomAD v4.1: 2 of 1,521,120 alleles (0.00013%); highest among the groups gnomAD compares: Non-Finnish European, 0.00018%; no homozygotes.

Submission:

CeGaT Center for Human Genetics Tuebingen
Classification: Likely benign. Last evaluated: 2024-07-01. Review status: criteria provided, single submitter. Criteria: CeGaT Center For Human Genetics Tuebingen Variant Classification Criteria Version 2. Collection method: clinical testing. Allele origin: germline. Affected: yes. Observed: 1 variant allele.
Comment: MBOAT7: PM2:Supporting, BP4, BP7

NM_024298.5(MBOAT7):c.540C>T (p.Pro180=)

Gene: MBOAT7 (membrane bound acylglycerophosphatidylinositol O-acyltransferase MBOAT7; minus strand). Cytogenetic location: 19q13.42.
Variant type: single nucleotide variant.
Coding change: c.540C>T on transcript NM_024298.5 (MANE Select); coding-DNA position 540, C replaced by T.
Protein change: p.Pro180=; no amino-acid change (proline 180 retained).
Molecular consequence: synonymous variant.
Genome position (GRCh38, 1-based): chr19:54,181,087, G>A on the plus strand (C>T on the coding strand, the complement: MBOAT7 is on the minus strand). VCF-style: chr19-54181087-G-A. GRCh37 (hg19) VCF-style: chr19-54684804-G-A.
Other names: c.321C>T, p.Pro107= (NM_001146056.3, NM_001146083.3); c.540C>T, p.Pro180= (NM_001146082.3).
Identifiers: ClinVar variation 3257368 (VCV003257368.17).
Genomic context (GRCh38, chr19:54,181,087, plus strand): 5'-GAGCGGGGCCGGCCAGGCGCGGCGCAGCAGGGGCCGCAGGCTGGGCACTGCCCCGGGGAA[G>A]GGCTGCTCCAGCCAGTCCAGGTAGGTGCGGTAGCGGAAGAACGGGCCTGTGGGGCGGGGA-3'
Protein context (NP_077274.3, residues 170-190): YRTYLDWLEQ[Pro180=]FPGAVPSLRP